The following is an entry in ClinVar:

NM_001876.4(CPT1A):c.141+6C>G

Gene: CPT1A (carnitine palmitoyltransferase 1A; minus strand). Cytogenetic location: 11q13.3.
Variant type: single nucleotide variant.
Coding change: c.141+6C>G on transcript NM_001876.4 (MANE Select); 6 bases into the intron after coding-DNA position 141, C replaced by G.
Molecular consequence: intron variant.
Genome position (GRCh38, 1-based): chr11:68,815,328, G>C on the plus strand (C>G on the coding strand, the complement: CPT1A is on the minus strand). VCF-style: chr11-68815328-G-C. GRCh37 (hg19) VCF-style: chr11-68582796-G-C.
Other names: c.141+6C>G (NM_001031847.3).
Identifiers: ClinVar variation 937140 (VCV000937140.9), dbSNP rs1856354034, ClinGen allele CA1139662060.

ClinVar aggregate classification (germline): Uncertain significance (1 of 4 stars; one submission).

Conditions:
Carnitine palmitoyl transferase 1A deficiency. Also called: CPT deficiency, hepatic, type IA; Carnitine palmitoyltransferase 1A deficiency; Carnitine palmitoyltransferase type I deficiency; CPT I DEFICIENCY; CPT DEFICIENCY, HEPATIC, TYPE I. Identifiers: Orphanet 156, MedGen C1829703, MONDO:0009705, OMIM 255120.

Allele frequency attached by ClinVar (database versions not stated): TOPMed below 0.00001.

Submission:

Labcorp Genetics (formerly Invitae), Labcorp
Classification: Uncertain significance for Carnitine palmitoyl transferase 1A deficiency. Last evaluated: 2019-09-18. Review status: criteria provided, single submitter. Criteria: Invitae Variant Classification Sherloc (09022015). Collection method: clinical testing. Allele origin: germline.
Comment: In summary, the available evidence is currently insufficient to determine the role of this variant in disease. Therefore, it has been classified as a Variant of Uncertain Significance. Nucleotide substitutions within the consensus splice site are a relatively common cause of aberrant splicing (PMID: 17576681, 9536098). Algorithms developed to predict the effect of sequence changes on RNA splicing suggest that this variant may create or strengthen a splice site, but this prediction has not been confirmed by published transcriptional studies. This variant has not been reported in the literature in individuals with CPT1A-related conditions. This variant is not present in population databases (ExAC no frequency). This sequence change falls in intron 2 of the CPT1A gene. It does not directly change the encoded amino acid sequence of the CPT1A protein, but it affects a nucleotide within the consensus splice site of the intron.

Literature cited by the submitters: PubMed 17576681; PubMed 9536098.